The following is an entry in ClinVar:

ClinVar aggregate classification (germline): Uncertain significance (1 of 4 stars; one submission).

Submission:

Ambry Genetics
Classification: Uncertain significance. Last evaluated: 2021-12-10. Review status: criteria provided, single submitter. Criteria: Ambry Variant Classification Scheme 2023. Collection method: clinical testing. Allele origin: germline.
Comment: The p.A13S variant (also known as c.37G>T), located in coding exon 2 of the BUB1 gene, results from a G to T substitution at nucleotide position 37. The alanine at codon 13 is replaced by serine, an amino acid with similar properties. This amino acid position is conserved. In addition, this alteration is predicted to be tolerated by in silico analysis. Since supporting evidence is limited at this time, the clinical significance of this alteration remains unclear.

NM_004336.5(BUB1):c.37G>T (p.Ala13Ser)

Gene: BUB1 (BUB1 mitotic checkpoint serine/threonine kinase; minus strand). Cytogenetic location: 2q13.
Variant type: single nucleotide variant.
Coding change: c.37G>T on transcript NM_004336.5 (MANE Select); coding-DNA position 37, G replaced by T.
Protein change: p.Ala13Ser; replaces alanine 13 with serine.
Molecular consequence: missense variant. On other transcripts: intron variant (1).
Genome position (GRCh38, 1-based): chr2:110,674,355, C>A on the plus strand (G>T on the coding strand, the complement: BUB1 is on the minus strand). VCF-style: chr2-110674355-C-A. GRCh37 (hg19) VCF-style: chr2-111431932-C-A.
Other names: c.37G>T, p.Ala13Ser (NM_001278617.2); c.27-131G>T (NM_001278616.2); short protein forms A13S.
Identifiers: ClinVar variation 1735056 (VCV001735056.2), dbSNP rs2468039074, ClinGen allele CA348221912.
Genomic context (GRCh38, chr2:110,674,355, plus strand): 5'-TAAATGCTGACCTTTCCCATTCACCAAGAGGGTCATTGCCCTTGTAGCTCTGCATGTGGG[C>A]TTCAAGCATCCTAGAAGAGAGAAAGGTATGCACATGGGATATTAGGGATAATTTCTACAA-3'
Protein context (NP_004327.1, residues 3-23): TPENVLQMLE[Ala13Ser]HMQSYKGNDP